The following is an entry in ClinVar:

ClinVar aggregate classification (germline): Uncertain significance (1 of 4 stars; one submission).

Conditions:
Chédiak-Higashi syndrome (CHS). Also called: Chediak-Higashi Syndrome. Identifiers: Orphanet 167, MedGen C0007965, MONDO:0008963, OMIM 214500.

Submission:

Labcorp Genetics (formerly Invitae), Labcorp
Classification: Uncertain significance for Chédiak-Higashi syndrome. Last evaluated: 2025-04-21. Review status: criteria provided, single submitter. Criteria: Invitae Variant Classification Sherloc (09022015). Collection method: clinical testing. Allele origin: germline.
Comment: This sequence change replaces histidine, which is basic and polar, with aspartic acid, which is acidic and polar, at codon 440 of the LYST protein (p.His440Asp). This variant is not present in population databases (gnomAD no frequency). This variant has not been reported in the literature in individuals affected with LYST-related conditions. Invitae Evidence Modeling of protein sequence and biophysical properties (such as structural, functional, and spatial information, amino acid conservation, physicochemical variation, residue mobility, and thermodynamic stability) has been performed for this missense variant. However, the output from this modeling did not meet the statistical confidence thresholds required to predict the impact of this variant on LYST protein function. In summary, the available evidence is currently insufficient to determine the role of this variant in disease. Therefore, it has been classified as a Variant of Uncertain Significance.

NM_000081.4(LYST):c.1318C>G (p.His440Asp)

Gene: LYST (lysosomal trafficking regulator; minus strand). Cytogenetic location: 1q42.3.
Variant type: single nucleotide variant.
Coding change: c.1318C>G on transcript NM_000081.4 (MANE Select); coding-DNA position 1318, C replaced by G.
Protein change: p.His440Asp; replaces histidine 440 with aspartic acid.
Molecular consequence: missense variant.
Genome position (GRCh38, 1-based): chr1:235,809,500, G>C on the plus strand (C>G on the coding strand, the complement: LYST is on the minus strand). VCF-style: chr1-235809500-G-C. GRCh37 (hg19) VCF-style: chr1-235972800-G-C.
Other names: c.1318C>G, p.His440Asp (NM_001301365.1); short protein forms H440D.
Identifiers: ClinVar variation 4745217 (VCV004745217.1).